The following is an entry in ClinVar:

NM_001041.4(SI):c.620G>A (p.Ser207Asn)

Gene: SI (sucrase-isomaltase; minus strand). Cytogenetic location: 3q26.1.
Variant type: single nucleotide variant.
Coding change: c.620G>A on transcript NM_001041.4 (MANE Select); coding-DNA position 620, G replaced by A.
Protein change: p.Ser207Asn; replaces serine 207 with asparagine.
Molecular consequence: missense variant.
Genome position (GRCh38, 1-based): chr3:165,067,355, C>T on the plus strand (G>A on the coding strand, the complement: SI is on the minus strand). VCF-style: chr3-165067355-C-T. GRCh37 (hg19) VCF-style: chr3-164785143-C-T.
Other names: short protein forms S207N.
Identifiers: ClinVar variation 1901945 (VCV001901945.2), dbSNP rs773196195, ClinGen allele CA2691420.

ClinVar aggregate classification (germline): Uncertain significance (1 of 4 stars; one submission).

Allele frequency attached by ClinVar (database versions not stated): gnomAD 0.00001; TOPMed 0.00001; gnomAD exomes 0.00002; ExAC 0.00007.
gnomAD v4.1: 27 of 1,609,720 alleles (0.0017%); highest among the groups gnomAD compares: Non-Finnish European, 0.0021%; no homozygotes.

Submission:

Labcorp Genetics (formerly Invitae), Labcorp
Classification: Uncertain significance. Last evaluated: 2022-07-19. Review status: criteria provided, single submitter. Criteria: Invitae Variant Classification Sherloc (09022015). Collection method: clinical testing. Allele origin: germline.
Comment: This sequence change replaces serine, which is neutral and polar, with asparagine, which is neutral and polar, at codon 207 of the SI protein (p.Ser207Asn). This variant is present in population databases (rs773196195, gnomAD 0.008%). This variant has not been reported in the literature in individuals affected with SI-related conditions. Advanced modeling of protein sequence and biophysical properties (such as structural, functional, and spatial information, amino acid conservation, physicochemical variation, residue mobility, and thermodynamic stability) performed at Invitae indicates that this missense variant is not expected to disrupt SI protein function. In summary, the available evidence is currently insufficient to determine the role of this variant in disease. Therefore, it has been classified as a Variant of Uncertain Significance.